The following is an entry in ClinVar:

ClinVar aggregate classification (germline): Uncertain significance (1 of 4 stars; one submission).

Allele frequency attached by ClinVar (database versions not stated): gnomAD exomes below 0.00001; ExAC 0.00001.
gnomAD v4.1: 3 of 1,609,692 alleles (0.00019%); highest among the groups gnomAD compares: Admixed American, 0.0017%; no homozygotes.

Submission:

Labcorp Genetics (formerly Invitae), Labcorp
Classification: Uncertain significance. Last evaluated: 2022-06-08. Review status: criteria provided, single submitter. Criteria: Invitae Variant Classification Sherloc (09022015). Collection method: clinical testing. Allele origin: germline.
Comment: This variant is present in population databases (rs775595011, gnomAD 0.003%). In summary, the available evidence is currently insufficient to determine the role of this variant in disease. Therefore, it has been classified as a Variant of Uncertain Significance. Algorithms developed to predict the effect of missense changes on protein structure and function output the following: SIFT: "Tolerated"; PolyPhen-2: "Benign"; Align-GVGD: "Class C0". The glycine amino acid residue is found in multiple mammalian species, which suggests that this missense change does not adversely affect protein function. This variant has not been reported in the literature in individuals affected with EMC1-related conditions. This sequence change replaces serine, which is neutral and polar, with glycine, which is neutral and non-polar, at codon 361 of the EMC1 protein (p.Ser361Gly).

NM_015047.3(EMC1):c.1081A>G (p.Ser361Gly)

Genes: EMC1 (ER membrane protein complex subunit 1; minus strand), EMC1-AS1 (EMC1 antisense RNA 1; plus strand). Cytogenetic location: 1p36.13.
Variant type: single nucleotide variant.
Coding change: c.1081A>G on transcript NM_015047.3 (MANE Select); coding-DNA position 1081, A replaced by G.
Protein change: p.Ser361Gly; replaces serine 361 with glycine.
Molecular consequence: missense variant.
Genome position (GRCh38, 1-based): chr1:19,238,803, T>C on the plus strand (A>G on the coding strand, the complement: EMC1 is on the minus strand). VCF-style: chr1-19238803-T-C. GRCh37 (hg19) VCF-style: chr1-19565297-T-C.
Other names: c.1078A>G, p.Ser360Gly (NM_001271427.2, NM_001375821.1); c.1081A>G, p.Ser361Gly (NM_001271428.2, NM_001375820.1); c.1015A>G, p.Ser339Gly (NM_001271429.2); short protein forms S360G, S339G, S361G.
Identifiers: ClinVar variation 1394278 (VCV001394278.6), dbSNP rs775595011, ClinGen allele CA652690.